The following is an entry in ClinVar:

ClinVar aggregate classification (germline): Uncertain significance. Review status: criteria provided, multiple submitters, no conflicts (2 of 4 stars). 2 submissions from 2 submitters: Uncertain significance (2). Last evaluated 2025-04-08.

Conditions:
GSN-related disorder. Also called: GSN-related condition.

Allele frequency attached by ClinVar (database versions not stated): gnomAD 0.00001; TOPMed 0.00002; gnomAD exomes 0.00003; ExAC 0.00005; ESP Exome Variant Server 0.00008; 1000 Genomes Project 30x 0.00016; 1000 Genomes Project 0.00020.
gnomAD v4.1: 45 of 1,614,182 alleles (0.0028%); highest among the groups gnomAD compares: Admixed American, 0.0033%; no homozygotes.

Submissions (2):

Labcorp Genetics (formerly Invitae), Labcorp
Classification: Uncertain significance. Last evaluated: 2025-04-08. Review status: criteria provided, single submitter. Criteria: Invitae Variant Classification Sherloc (09022015). Collection method: clinical testing. Allele origin: germline.
Comment: This sequence change replaces asparagine, which is neutral and polar, with serine, which is neutral and polar, at codon 737 of the GSN protein (p.Asn737Ser). This variant is present in population databases (rs143285592, gnomAD 0.006%). This variant has not been reported in the literature in individuals affected with GSN-related conditions. ClinVar contains an entry for this variant (Variation ID: 1906034). Invitae Evidence Modeling of protein sequence and biophysical properties (such as structural, functional, and spatial information, amino acid conservation, physicochemical variation, residue mobility, and thermodynamic stability) indicates that this missense variant is not expected to disrupt GSN protein function with a negative predictive value of 80%. In summary, the available evidence is currently insufficient to determine the role of this variant in disease. Therefore, it has been classified as a Variant of Uncertain Significance.

PreventionGenetics, part of Exact Sciences
Classification: Uncertain significance for GSN-related condition. Last evaluated: 2023-06-22. Review status: criteria provided, single submitter. Criteria: ACMG Guidelines, 2015. Collection method: clinical testing. Allele origin: germline.
Comment: The GSN c.2210A>G variant is predicted to result in the amino acid substitution p.Asn737Ser. To our knowledge, this variant has not been reported in the literature. This variant is reported in 0.0058% of alleles in individuals of Latino descent in gnomAD. At this time, the clinical significance of this variant is uncertain due to the absence of conclusive functional and genetic evidence.

NM_198252.3(GSN):c.2057A>G (p.Asn686Ser)

Gene: GSN (gelsolin; plus strand). Cytogenetic location: 9q33.2.
Variant type: single nucleotide variant.
Coding change: c.2057A>G on transcript NM_198252.3 (MANE Select); coding-DNA position 2057, A replaced by G.
Protein change: p.Asn686Ser; replaces asparagine 686 with serine.
Molecular consequence: missense variant.
Genome position (GRCh38, 1-based): chr9:121,332,464, A>G. VCF-style: chr9-121332464-A-G. GRCh37 (hg19) VCF-style: chr9-124094742-A-G.
Other names: c.2210A>G (NM_000177.4); c.2210A>G, p.Asn737Ser (NM_000177.5); c.2057A>G, p.Asn686Ser (NM_001127662.2, NM_001127664.2, NM_001127665.2 and 10 more transcripts); c.2165A>G, p.Asn722Ser (NM_001127663.2); c.2090A>G, p.Asn697Ser (NM_001127666.2, NM_001127667.2, NM_001353063.2 and 13 more transcripts); c.2108A>G, p.Asn703Ser (NM_001258029.2); c.2081A>G, p.Asn694Ser (NM_001258030.2); c.2129A>G, p.Asn710Ser (NM_001353076.2); and 1 more; short protein forms N710S, N468S, N697S, N703S, N722S, N737S, N686S, N694S.
Identifiers: ClinVar variation 1906034 (VCV001906034.6), dbSNP rs143285592, ClinGen allele CA5221530.
Genomic context (GRCh38, chr9:121,332,464, plus strand): 5'-GGTTTCCTTTTCTTGCACGTGTGTCTGCAGCTAAGCGGTACATCGAGACGGACCCAGCCA[A>G]TCGGGATCGGCGGACGCCCATCACCGTGGTGAAGCAAGGCTTTGAGCCTCCCTCCTTTGT-3'
Protein context (NP_937895.1, residues 676-696): AKRYIETDPA[Asn686Ser]RDRRTPITVV